The following is an entry in ClinVar:

ClinVar aggregate classification (germline): Uncertain significance (1 of 4 stars; one submission).

Submission:

GeneDx
Classification: Uncertain significance. Last evaluated: 2019-09-23. Review status: criteria provided, single submitter. Criteria: GeneDx Variant Classification Process June 2021. Collection method: clinical testing. Allele origin: germline. Affected: yes.
Comment: Not observed in large population cohorts (Lek 2016); Has not been previously published as pathogenic or benign to our knowledge

NM_006231.4(POLE):c.5910dup (p.Asn1971fs)

Gene: POLE (DNA polymerase epsilon, catalytic subunit; minus strand). Cytogenetic location: 12q24.33.
Variant type: Duplication.
Coding change: c.5910dup on transcript NM_006231.4 (MANE Select); coding-DNA position 5910, one base duplicated (C; older notation c.5910dupC).
Protein change: p.Asn1971fs; shifts the reading frame from asparagine 1971.
Molecular consequence: frameshift variant.
Genome position (GRCh38, 1-based): chr12:132,634,280, G duplicated on the plus strand (C on the coding strand, the reverse complement: POLE is on the minus strand); the first of 2 consecutive G bases (chr12:132,634,280-132,634,281); duplicating either gives the same sequence. VCF-style (leftmost placement, unchanged base first): chr12-132634279-T-TG. GRCh37 (hg19) VCF-style: chr12-133210865-T-TG.
Other names: short protein forms N1971fs.
Identifiers: ClinVar variation 1304882 (VCV001304882.2), dbSNP rs2138474318, ClinGen allele CA2573053630.